The following is an entry in ClinVar:

ClinVar aggregate classification (germline): Uncertain significance (1 of 4 stars; one submission).

Conditions:
Heterotopia, periventricular, X-linked dominant (PVNH1). Also called: PERIVENTRICULAR NODULAR HETEROTOPIA 1; X-linked periventricular heterotopia; PERIVENTRICULAR NODULAR HETEROTOPIA 4; HETEROTOPIA, PERIVENTRICULAR, 1. Identifiers: Orphanet 2149, Orphanet 82004, MedGen C1848213, MONDO:0010233, OMIM 300049.
Melnick-Needles syndrome (MNS). Also called: MELNICK-NEEDLES OSTEODYSPLASTY; OSTEODYSPLASTY OF MELNICK AND NEEDLES; Melnick-Needles Syndrome (FLNA-MNS). Identifiers: Orphanet 2484, MedGen C0025237, MONDO:0010650, OMIM 309350.
Frontometaphyseal dysplasia (FMD1). Identifiers: Orphanet 1826, MedGen C0265293, MONDO:0015942.
Oto-palato-digital syndrome, type II (OPD2). Also called: FACIOPALATOOSSEOUS SYNDROME; OPD II SYNDROME; Otopalatodigital Syndrome Type 2 (FLNA-OPD2); Otopalatodigital Syndrome, Type II. Identifiers: Orphanet 669, Orphanet 90652, MedGen C1844696, MONDO:0010571, OMIM 304120.

gnomAD v4.1: 3 of 1,209,955 alleles (0.00025%); highest among the groups gnomAD compares: South Asian, 0.0035%; no homozygotes.

Submission:

Labcorp Genetics (formerly Invitae), Labcorp
Classification: Uncertain significance for Oto-palato-digital syndrome, type II; Heterotopia, periventricular, X-linked dominant; Frontometaphyseal dysplasia; Melnick-Needles syndrome. Last evaluated: 2025-03-19. Review status: criteria provided, single submitter. Criteria: Invitae Variant Classification Sherloc (09022015). Collection method: clinical testing. Allele origin: germline.
Comment: This sequence change replaces aspartic acid, which is acidic and polar, with histidine, which is basic and polar, at codon 673 of the FLNA protein (p.Asp673His). This variant is not present in population databases (gnomAD no frequency). This variant has not been reported in the literature in individuals affected with FLNA-related conditions. Invitae Evidence Modeling of protein sequence and biophysical properties (such as structural, functional, and spatial information, amino acid conservation, physicochemical variation, residue mobility, and thermodynamic stability) indicates that this missense variant is not expected to disrupt FLNA protein function with a negative predictive value of 95%. In summary, the available evidence is currently insufficient to determine the role of this variant in disease. Therefore, it has been classified as a Variant of Uncertain Significance.

NM_001110556.2(FLNA):c.2017G>C (p.Asp673His)

Gene: FLNA (filamin A; minus strand). Cytogenetic location: Xq28.
Variant type: single nucleotide variant.
Coding change: c.2017G>C on transcript NM_001110556.2 (MANE Select); coding-DNA position 2017, G replaced by C.
Protein change: p.Asp673His; replaces aspartic acid 673 with histidine.
Molecular consequence: missense variant.
Genome position (GRCh38, 1-based): chrX:154,364,531, C>G on the plus strand (G>C on the coding strand, the complement: FLNA is on the minus strand). VCF-style: chrX-154364531-C-G. GRCh37 (hg19) VCF-style: chrX-153592899-C-G.
Other names: c.2017G>C, p.Asp673His (NM_001456.4); short protein forms D673H.
Identifiers: ClinVar variation 4794656 (VCV004794656.1).